The following is an entry in ClinVar:

NM_032119.4(ADGRV1):c.12114A>C (p.Glu4038Asp)

Gene: ADGRV1 (adhesion G protein-coupled receptor V1; plus strand). Cytogenetic location: 5q14.3.
Variant type: single nucleotide variant.
Coding change: c.12114A>C on transcript NM_032119.4 (MANE Select); coding-DNA position 12114, A replaced by C.
Protein change: p.Glu4038Asp; replaces glutamic acid 4038 with aspartic acid.
Molecular consequence: missense variant. On other transcripts: non-coding transcript variant (1).
Genome position (GRCh38, 1-based): chr5:90,759,582, A>C. VCF-style: chr5-90759582-A-C. GRCh37 (hg19) VCF-style: chr5-90055399-A-C.
Other names: short protein forms E4038D.
Identifiers: ClinVar variation 4782177 (VCV004782177.1).

ClinVar aggregate classification (germline): Uncertain significance (1 of 4 stars; one submission).

Submission:

Labcorp Genetics (formerly Invitae), Labcorp
Classification: Uncertain significance. Last evaluated: 2025-06-04. Review status: criteria provided, single submitter. Criteria: Invitae Variant Classification Sherloc (09022015). Collection method: clinical testing. Allele origin: germline.
Comment: This sequence change replaces glutamic acid, which is acidic and polar, with aspartic acid, which is acidic and polar, at codon 4038 of the ADGRV1 protein (p.Glu4038Asp). This variant is not present in population databases (gnomAD no frequency). This variant has not been reported in the literature in individuals affected with ADGRV1-related conditions. Invitae Evidence Modeling of protein sequence and biophysical properties (such as structural, functional, and spatial information, amino acid conservation, physicochemical variation, residue mobility, and thermodynamic stability) indicates that this missense variant is not expected to disrupt ADGRV1 protein function with a negative predictive value of 95%. In summary, the available evidence is currently insufficient to determine the role of this variant in disease. Therefore, it has been classified as a Variant of Uncertain Significance.